The following is an entry in ClinVar:

ClinVar aggregate classification (germline): Pathogenic. Review status: criteria provided, multiple submitters, no conflicts (2 of 4 stars). 7 submissions from 6 submitters: Pathogenic (6). 1 of the submissions does not count toward it. Last evaluated 2025-07-27.

Conditions:
Zellweger spectrum disorders (ZS). Also called: Zellweger Spectrum Disorder; Zellweger Spectrum; Zellweger syndrome; Zellweger Spectrum Disorder (ZSD). Identifiers: Orphanet 912, MedGen C0043459, MONDO:0019609.
Heimler syndrome 1 (HMLR1). Also called: PEROXISOME BIOGENESIS DISORDER 1C. Identifiers: Orphanet 3220, MedGen C4551980, OMIM 234580, MONDO:0024544.
Peroxisome biogenesis disorder 1A (Zellweger) (PBD1A). Also called: Peroxisome biogenesis disorder 1a; Zellweger leukodystrophy. Identifiers: MedGen C4721541, MONDO:0008953, OMIM 214100.
Peroxisome biogenesis disorder 1B (PBD1B). Also called: Refsum disease, infantile form; PEROXISOME BIOGENESIS DISORDER (NEONATAL ADRENOLEUKODYSTROPHY/INFANTILE REFSUM DISEASE); INFANTILE PHYTANIC ACID STORAGE DISEASE; PEROXISOME BIOGENESIS DISORDER (NALD/IRD); ADRENOLEUKODYSTROPHY, AUTOSOMAL NEONATAL; Infantile Refsum disease. Identifiers: Orphanet 44, MedGen C0282527, MONDO:0011101, OMIM 601539.
Peroxisome biogenesis disorder. Identifiers: Orphanet 79189, MedGen C1832200, MONDO:0019234. Disease mechanism: loss of function.

Submissions (7):

Natera, Inc.
Classification: Pathogenic for Zellweger syndrome. Last evaluated: 2025-07-27. Review status: criteria provided, single submitter. Criteria: Natera Variant Classification Schema (03/2026). Collection method: clinical testing. Allele origin: germline.
Comment: The c.1716_1717delCA variant in PEX1 is a frameshift variant predicted to shift the reading frame beginning at codon 572 and leads to a stop codon 19 codons downstream. This variant is expected to result in nonsense mediated decay, truncation, or a dysfunctional protein product. This variant is rare in the general population with a frequency below the threshold expected for the associated phenotype(s). This variant has been observed in one or more individuals affected with the associated recessive disease, as either homozygous or compound heterozygous with a second variant (PMID: 1910518). Given the available evidence, this variant is classified as Pathogenic.

Labcorp Genetics (formerly Invitae), Labcorp
Classification: Pathogenic for Zellweger spectrum disorders. Last evaluated: 2025-03-17. Review status: criteria provided, single submitter. Criteria: Invitae Variant Classification Sherloc (09022015). Collection method: clinical testing. Allele origin: germline.
Comment: This sequence change creates a premature translational stop signal (p.His572Glnfs*19) in the PEX1 gene. It is expected to result in an absent or disrupted protein product. Loss-of-function variants in PEX1 are known to be pathogenic (PMID: 21031596, 26387595, 31831025). This variant is present in population databases (rs786204606, gnomAD 0.007%). This premature translational stop signal has been observed in individuals with peroxisomal biogenesis disorders (PMID: 19105186). ClinVar contains an entry for this variant (Variation ID: 188984). For these reasons, this variant has been classified as Pathogenic.

Baylor Genetics
Classification: Pathogenic for Heimler syndrome 1. Last evaluated: 2024-02-19. Review status: criteria provided, single submitter. Criteria: ACMG Guidelines, 2015. Collection method: clinical testing. Allele origin: unknown.

GeneDx
Classification: Pathogenic. Last evaluated: 2022-06-09. Review status: criteria provided, single submitter. Criteria: GeneDx Variant Classification Process June 2021. Collection method: clinical testing. Allele origin: germline. Affected: yes.
Comment: Frameshift variant predicted to result in protein truncation or nonsense mediated decay in a gene for which loss-of-function is a known mechanism of disease; Not observed at a significant frequency in large population cohorts (gnomAD); This variant is associated with the following publications: (PMID: 19105186, 21031596, 31964843)

Women's Health and Genetics/Laboratory Corporation of America, LabCorp
Classification: Pathogenic for Peroxisome biogenesis disorders, Zellweger syndrome spectrum. Last evaluated: 2020-03-23. Review status: criteria provided, single submitter. Criteria: LabCorp Variant Classification Summary - May 2015. Collection method: clinical testing. Allele origin: germline.
Comment: Variant summary: PEX1 c.1716_1717delCA (p.His572GlnfsX19) results in a premature termination codon, predicted to cause a truncation of the encoded protein or absence of the protein due to nonsense mediated decay, which are commonly known mechanisms for disease. Truncations downstream of this position have been classified as pathogenic by our laboratory. The variant was absent in 251424 control chromosomes (gnomAD). c.1716_1717delCA has been reported in the literature in individuals affected with Zellweger Syndrome (examples- Yik_2009, Ebberink_2010). These data indicate that the variant is likely to be associated with disease. To our knowledge, no experimental evidence demonstrating an impact on protein function has been reported. Two ClinVar submitters (evaluation prior to or in 2014) cited the variant as pathogenic/likley pathogenic. Based on the evidence outlined above, the variant was classified as pathogenic.

Baylor Genetics
Classification: Pathogenic for Peroxisome biogenesis disorder 1A (Zellweger); Peroxisome biogenesis disorder 1B. Review status: criteria provided, single submitter. Criteria: ACMG Guidelines, 2015. Collection method: clinical testing. Allele origin: germline.

Counsyl
Classification: Likely pathogenic for Zellweger syndrome. Last evaluated: 2014-09-25. Review status: no assertion criteria provided. Collection method: literature only. Allele origin: unknown. Inheritance: Autosomal recessive inheritance. Not counted in ClinVar's aggregate classification.

Literature cited by the submitters: PubMed 1910518 (cited by Natera, Inc.); PubMed 21031596 (cited by 3 submitters); PubMed 26387595 (cited by Labcorp Genetics (formerly Invitae), Labcorp); PubMed 31831025 (cited by Labcorp Genetics (formerly Invitae), Labcorp); PubMed 19105186 (cited by 3 submitters).

NM_000466.3(PEX1):c.1716_1717del (p.His572fs)

Gene: PEX1 (peroxisomal biogenesis factor 1; minus strand). Cytogenetic location: 7q21.2.
Variant type: Microsatellite.
Coding change: c.1716_1717del on transcript NM_000466.3 (MANE Select); coding-DNA positions 1716 to 1717, 2 bases deleted (CA; older notation c.1716_1717delCA).
Protein change: p.His572fs; shifts the reading frame from histidine 572.
Molecular consequence: frameshift variant.
Genome position (GRCh38, 1-based): chr7:92,507,080-92,507,081, TG deleted on the plus strand (CA on the coding strand, the reverse complement: PEX1 is on the minus strand); deleting any 2 consecutive bases within chr7:92,507,080-92,507,083 gives the same sequence; the c. name uses the placement nearest the transcript's 3' end. VCF-style (leftmost placement, unchanged base first): chr7-92507079-CTG-C. GRCh37 (hg19) VCF-style: chr7-92136393-CTG-C.
Other names: c.1716_1717del (NM_000466.2); c.1716_1717del, p.His572fs (NM_001282677.2); c.1092_1093del, p.His364fs (NM_001282678.2); short protein forms H364fs, H572fs.
Identifiers: ClinVar variation 188984 (VCV000188984.22), dbSNP rs786204606, ClinGen allele CA274215.
Genomic context (GRCh38, chr7:92,507,079, plus strand): 5'-CCATTCCTAAGTCCTGCAACAAGAGACATCAGCTGCCGAGACAAAGGGCGTCCCAGGAGG[CTG>C]TGAGTGATGTGCTCCAAGGAGGATACGCCTAAGGAATTCACTCCTCTGTAAAAAATATAC-3'